The following is an entry in ClinVar:

NM_001130144.3(LTBP3):c.3400C>T (p.Arg1134Trp)

Gene: LTBP3 (latent transforming growth factor beta binding protein 3; minus strand). Cytogenetic location: 11q13.1.
Variant type: single nucleotide variant.
Coding change: c.3400C>T on transcript NM_001130144.3 (MANE Select); coding-DNA position 3400, C replaced by T.
Protein change: p.Arg1134Trp; replaces arginine 1134 with tryptophan.
Molecular consequence: missense variant.
Genome position (GRCh38, 1-based): chr11:65,539,867, G>A on the plus strand (C>T on the coding strand, the complement: LTBP3 is on the minus strand). VCF-style: chr11-65539867-G-A. GRCh37 (hg19) VCF-style: chr11-65307338-G-A.
Other names: c.2908C>T, p.Arg970Trp (NM_001164266.1); c.3259C>T, p.Arg1087Trp (NM_021070.4); short protein forms R970W, R1134W, R1087W.
Identifiers: ClinVar variation 2026211 (VCV002026211.4), dbSNP rs2496117242, ClinGen allele CA381266963.

ClinVar aggregate classification (germline): Uncertain significance (1 of 4 stars; one submission).

Conditions:
Brachyolmia-amelogenesis imperfecta syndrome. Also called: Tooth agenesis, selective, 6; Dental anomalies and short stature; PLATYSPONDYLY WITH AMELOGENESIS IMPERFECTA. Identifiers: Orphanet 2899, MedGen C1832594, MONDO:0011018, OMIM 601216. Disease mechanism: loss of function.

Allele frequency attached by ClinVar (database versions not stated): gnomAD exomes below 0.00001.
gnomAD v4.1: 1 of 1,515,140 alleles (0.000066%); highest among the groups gnomAD compares: Non-Finnish European, 0.000088%; no homozygotes.

Submission:

Labcorp Genetics (formerly Invitae), Labcorp
Classification: Uncertain significance for Brachyolmia-amelogenesis imperfecta syndrome. Last evaluated: 2023-05-23. Review status: criteria provided, single submitter. Criteria: Invitae Variant Classification Sherloc (09022015). Collection method: clinical testing. Allele origin: germline.
Comment: This sequence change replaces arginine, which is basic and polar, with tryptophan, which is neutral and slightly polar, at codon 1134 of the LTBP3 protein (p.Arg1134Trp). This variant is not present in population databases (gnomAD no frequency). This variant has not been reported in the literature in individuals affected with LTBP3-related conditions. ClinVar contains an entry for this variant (Variation ID: 2026211). An algorithm developed to predict the effect of missense changes on protein structure and function (PolyPhen-2) suggests that this variant is likely to be disruptive. In summary, the available evidence is currently insufficient to determine the role of this variant in disease. Therefore, it has been classified as a Variant of Uncertain Significance.